The following is an entry in ClinVar:

NM_000094.4(COL7A1):c.6574-2A>G

Gene: COL7A1 (collagen type VII alpha 1 chain; minus strand). Cytogenetic location: 3p21.31.
Variant type: single nucleotide variant.
Coding change: c.6574-2A>G on transcript NM_000094.4 (MANE Select); the canonical splice acceptor site of the intron before coding-DNA position 6574, A replaced by G.
Molecular consequence: splice acceptor variant.
Genome position (GRCh38, 1-based): chr3:48,573,559, T>C on the plus strand (A>G on the coding strand, the complement: COL7A1 is on the minus strand). VCF-style: chr3-48573559-T-C. GRCh37 (hg19) VCF-style: chr3-48610992-T-C.
Identifiers: ClinVar variation 3629781 (VCV003629781.1).

ClinVar aggregate classification (germline): Likely pathogenic (1 of 4 stars; one submission).

Conditions:
Recessive dystrophic epidermolysis bullosa (RDEB). Also called: DYSTROPHIC EPIDERMOLYSIS BULLOSA, AUTOSOMAL RECESSIVE; EPIDERMOLYSIS BULLOSA DYSTROPHICA, HALLOPEAU-SIEMENS TYPE; Hallopeau-Siemens Disease; epidermolysis bullosa dystrophica, autosomal recessive; Recessive DEB (RDEB); severe generalized recessive dystrophic epidermolysis bullosa. Identifiers: Orphanet 79408, Orphanet 79409, MedGen C0079474, MONDO:0009179, OMIM 226600.

gnomAD v4.1: 2 of 1,613,984 alleles (0.00012%); highest among the groups gnomAD compares: Non-Finnish European, 0.00017%; no homozygotes.

Submission:

Women's Health and Genetics/Laboratory Corporation of America, LabCorp
Classification: Likely pathogenic for Dystrophic Epidermolysis Bullosa, Recessive. Last evaluated: 2024-11-06. Review status: criteria provided, single submitter. Criteria: LabCorp Variant Classification Summary - May 2015. Collection method: clinical testing. Allele origin: germline.
Comment: Variant summary: COL7A1 c.6574-2A>G is located in a canonical splice-site and is predicted to affect mRNA splicing resulting in a significantly altered protein due to either exon skipping, shortening, or inclusion of intronic material. Variants that disrupt the consensus splice site are a relatively common cause of aberrant splicing and loss of COL7A1 function. Several computational tools predict a significant impact on normal splicing: Four predict the variant abolishes a 3' acceptor site. However, these predictions have yet to be confirmed by functional studies. The variant was absent in 251286 control chromosomes. To our knowledge, no occurrence of c.6574-2A>G in individuals affected with Dystrophic Epidermolysis Bullosa, Recessive and no experimental evidence demonstrating its impact on protein function have been reported. No submitters have cited clinical-significance assessments for this variant to ClinVar. Based on the evidence outlined above, the variant was classified as likely pathogenic.